The following is an entry in ClinVar:

NM_206933.4(USH2A):c.3941A>G (p.Glu1314Gly)

Genes: USH2A (usherin; minus strand), USH2A-AS1 (USH2A antisense RNA 1; plus strand). Cytogenetic location: 1q41.
Variant type: single nucleotide variant.
Coding change: c.3941A>G on transcript NM_206933.4 (MANE Select); coding-DNA position 3941, A replaced by G.
Protein change: p.Glu1314Gly; replaces glutamic acid 1314 with glycine.
Molecular consequence: missense variant.
Genome position (GRCh38, 1-based): chr1:216,198,455, T>C on the plus strand (A>G on the coding strand, the complement: USH2A is on the minus strand). VCF-style: chr1-216198455-T-C. GRCh37 (hg19) VCF-style: chr1-216371797-T-C.
Other names: c.3941A>G, p.Glu1314Gly (NM_007123.6); short protein forms E1314G.
Identifiers: ClinVar variation 833796 (VCV000833796.17), dbSNP rs77797012, ClinGen allele CA1395864.

ClinVar aggregate classification (germline): Conflicting classifications of pathogenicity. Review status: criteria provided, conflicting classifications (1 of 4 stars). 7 submissions from 7 submitters: Uncertain significance (4); Likely benign (1). 2 of the submissions do not count toward it. Last evaluated 2026-06-09.

Conditions:
USH2A-related disorder. Also called: USH2A-related condition; USH2A-related disorders. Identifiers: MedGen CN239332.
Inborn genetic diseases. Identifiers: MedGen C0950123, MeSH D030342.
Usher syndrome type 2A. Also called: USHER SYNDROME, TYPE IIA; RETINAL DISEASE IN USHER SYNDROME TYPE IIA, MODIFIER OF. Identifiers: Orphanet 231178, Orphanet 886, MedGen C1848634, MONDO:0010169, OMIM 276901.
Retinal dystrophy. Also called: Inherited retinal dystrophy. Identifiers: Orphanet 71862, MedGen C0854723, MeSH D058499, MONDO:0019118, HP:0000556.

Allele frequency attached by ClinVar (database versions not stated): TOPMed 0.00009; ExAC 0.00012; gnomAD 0.00012; gnomAD exomes 0.00013 and 0.00020; ESP Exome Variant Server 0.00015; 1000 Genomes Project 0.00020; 1000 Genomes Project 30x 0.00031.
gnomAD v4.1: 302 of 1,614,078 alleles (0.019%); highest among the groups gnomAD compares: Non-Finnish European, 0.024%; no homozygotes.

Submissions (7):

PreventionGenetics, part of Exact Sciences
Classification: Uncertain significance for USH2A-related condition. Last evaluated: 2026-06-09. Review status: criteria provided, single submitter. Criteria: ACMG Guidelines, 2015. Collection method: clinical testing. Allele origin: germline.
Comment: The USH2A c.3941A>G variant is predicted to result in the amino acid substitution p.Glu1314Gly. To our knowledge, this variant has not been reported in the literature. This variant is reported in 0.087% of alleles in individuals of Ashkenazi Jewish descent in gnomAD v2, which may be too frequent to be a primary cause of disease. Although we suspect that this variant may be benign, the clinical significance of this variant is currently classified as uncertain due to the absence of conclusive functional and genetic evidence.

GeneDx
Classification: Uncertain significance. Last evaluated: 2026-06-02. Review status: criteria provided, single submitter. Criteria: GeneDx Variant Classification Process June 2021. Collection method: clinical testing. Allele origin: germline.
Comment: In silico analysis supports that this missense variant has a deleterious effect on protein structure/function; Has not been previously published as pathogenic or benign to our knowledge

Labcorp Genetics (formerly Invitae), Labcorp
Classification: Likely benign. Last evaluated: 2026-01-19. Review status: criteria provided, single submitter. Criteria: Invitae Variant Classification Sherloc (09022015). Collection method: clinical testing. Allele origin: germline.

Blueprint Genetics
Classification: Uncertain significance. Last evaluated: 2024-07-03. Review status: criteria provided, single submitter. Criteria: ACMG Guidelines, 2015. Collection method: clinical testing. Allele origin: germline.

Ambry Genetics
Classification: Uncertain significance for Inborn genetic diseases. Last evaluated: 2024-06-02. Review status: criteria provided, single submitter. Criteria: Ambry Variant Classification Scheme 2023. Collection method: clinical testing. Allele origin: germline.

Institute of Human Genetics, Univ. Regensburg, Univ. Regensburg
Classification: Uncertain significance for Retinal dystrophy. Last evaluated: 2022-01-01. Review status: no assertion criteria provided. Criteria: ACMG Guidelines, 2015. Collection method: clinical testing. Allele origin: germline. Affected: yes. Not counted in ClinVar's aggregate classification.

Natera, Inc.
Classification: Uncertain significance for Usher syndrome type 2A. Last evaluated: 2020-02-13. Review status: no assertion criteria provided. Collection method: clinical testing. Allele origin: germline. Not counted in ClinVar's aggregate classification.